The following is an entry in ClinVar:

ClinVar aggregate classification (germline): Uncertain significance (1 of 4 stars; one submission).

Allele frequency attached by ClinVar (database versions not stated): ExAC 0.00001.

Submission:

Labcorp Genetics (formerly Invitae), Labcorp
Classification: Uncertain significance. Last evaluated: 2024-02-24. Review status: criteria provided, single submitter. Criteria: Invitae Variant Classification Sherloc (09022015). Collection method: clinical testing. Allele origin: germline.
Comment: This sequence change replaces valine, which is neutral and non-polar, with phenylalanine, which is neutral and non-polar, at codon 419 of the FASTKD2 protein (p.Val419Phe). The frequency data for this variant in the population databases is considered unreliable, as metrics indicate poor data quality at this position in the gnomAD database. This variant has not been reported in the literature in individuals affected with FASTKD2-related conditions. ClinVar contains an entry for this variant (Variation ID: 2126534). An algorithm developed to predict the effect of missense changes on protein structure and function (PolyPhen-2) suggests that this variant is likely to be tolerated. Algorithms developed to predict the effect of sequence changes on RNA splicing suggest that this variant may disrupt the consensus splice site. In summary, the available evidence is currently insufficient to determine the role of this variant in disease. Therefore, it has been classified as a Variant of Uncertain Significance.

NM_001136193.2(FASTKD2):c.1255G>T (p.Val419Phe)

Gene: FASTKD2 (FAST kinase domains 2; plus strand). Cytogenetic location: 2q33.3.
Variant type: single nucleotide variant.
Coding change: c.1255G>T on transcript NM_001136193.2 (MANE Select); coding-DNA position 1255, G replaced by T.
Protein change: p.Val419Phe; replaces valine 419 with phenylalanine.
Molecular consequence: missense variant.
Genome position (GRCh38, 1-based): chr2:206,774,225, G>T. VCF-style: chr2-206774225-G-T. GRCh37 (hg19) VCF-style: chr2-207638949-G-T.
Other names: c.1255G>T, p.Val419Phe (NM_001136194.2, NM_014929.4); short protein forms V419F.
Identifiers: ClinVar variation 2126534 (VCV002126534.4), dbSNP rs745731429, ClinGen allele CA2075117.